The following is an entry in ClinVar:

NM_001080449.3(DNA2):c.1415+16A>C

Gene: DNA2 (DNA replication helicase/nuclease 2; minus strand). Cytogenetic location: 10q21.3.
Variant type: single nucleotide variant.
Coding change: c.1415+16A>C on transcript NM_001080449.3 (MANE Select); 16 bases into the intron after coding-DNA position 1415, A replaced by C.
Molecular consequence: intron variant.
Genome position (GRCh38, 1-based): chr10:68,442,901, T>G on the plus strand (A>C on the coding strand, the complement: DNA2 is on the minus strand). VCF-style: chr10-68442901-T-G. GRCh37 (hg19) VCF-style: chr10-70202658-T-G.
Identifiers: ClinVar variation 386923 (VCV000386923.6), dbSNP rs751137634, ClinGen allele CA5525080.

ClinVar aggregate classification (germline): Likely benign. Review status: criteria provided, multiple submitters, no conflicts (2 of 4 stars). 3 submissions from 3 submitters: Likely benign (3). Last evaluated 2024-07-09.

Allele frequency attached by ClinVar (database versions not stated): TOPMed 0.00001; ExAC 0.00002; gnomAD 0.00002; gnomAD exomes 0.00003 and 0.00005.

Submissions (3):

Labcorp Genetics (formerly Invitae), Labcorp
Classification: Likely benign. Last evaluated: 2024-07-09. Review status: criteria provided, single submitter. Criteria: Invitae Variant Classification Sherloc (09022015). Collection method: clinical testing. Allele origin: germline.

Blueprint Genetics
Classification: Likely benign. Last evaluated: 2022-04-13. Review status: criteria provided, single submitter. Criteria: ACMG Guidelines, 2015. Collection method: clinical testing. Allele origin: germline.

GeneDx
Classification: Likely benign. Last evaluated: 2016-06-24. Review status: criteria provided, single submitter. Criteria: GeneDx Variant Classification (06012015). Collection method: clinical testing. Allele origin: germline. Affected: yes.
Comment: This variant is considered likely benign or benign based on one or more of the following criteria: it is a conservative change, it occurs at a poorly conserved position in the protein, it is predicted to be benign by multiple in silico algorithms, and/or has population frequency not consistent with disease.